The following is an entry in ClinVar:

ClinVar aggregate classification (germline): Uncertain significance (1 of 4 stars; one submission).

gnomAD v4.1: 9 of 1,613,962 alleles (0.00056%); highest among the groups gnomAD compares: Non-Finnish European, 0.00076%; no homozygotes.

Submission:

Ambry Genetics
Classification: Uncertain significance. Last evaluated: 2025-09-22. Review status: criteria provided, single submitter. Criteria: Ambry Variant Classification Scheme 2023. Collection method: clinical testing. Allele origin: germline.
Comment: The p.P571S variant (also known as c.1711C>T), located in coding exon 2 of the CDK12 gene, results from a C to T substitution at nucleotide position 1711. The proline at codon 571 is replaced by serine, an amino acid with similar properties. This amino acid position is conserved. In addition, this alteration is predicted to be tolerated by in silico analysis. Based on the available evidence, the clinical significance of this variant remains unclear.

NM_016507.4(CDK12):c.1711C>T (p.Pro571Ser)

Gene: CDK12 (cyclin dependent kinase 12; plus strand). Cytogenetic location: 17q12.
Variant type: single nucleotide variant.
Coding change: c.1711C>T on transcript NM_016507.4 (MANE Select); coding-DNA position 1711, C replaced by T.
Protein change: p.Pro571Ser; replaces proline 571 with serine.
Molecular consequence: missense variant.
Genome position (GRCh38, 1-based): chr17:39,471,543, C>T. VCF-style: chr17-39471543-C-T. GRCh37 (hg19) VCF-style: chr17-37627796-C-T.
Other names: c.1711C>T, p.Pro571Ser (NM_015083.4); short protein forms P571S.
Identifiers: ClinVar variation 4651325 (VCV004651325.1).